The following is an entry in ClinVar:

ClinVar aggregate classification (germline): Pathogenic. Review status: reviewed by expert panel (3 of 4 stars). 6 submissions from 6 submitters: Pathogenic (1). 5 of the submissions do not count toward it. Last evaluated 2017-12-08.

Conditions:
CFTR-related disorder (CFTR-RD). Also called: CFTR-related disorders; CFTR-related condition. Identifiers: MedGen C5924204, MONDO:7770004.
Cystic fibrosis (CF). Also called: MUCOVISCIDOSIS. Identifiers: Orphanet 586, MedGen C0010674, MONDO:0009061, OMIM 219700. Disease mechanism: loss of function.

Submissions (6):

CFTR2
Classification: Pathogenic for Cystic fibrosis. Last evaluated: 2017-12-08. Review status: reviewed by expert panel. Criteria: Sosnay PR et al. (Nat Genet 2013). Collection method: research. Allele origin: germline. Affected: yes.

Natera, Inc.
Classification: Pathogenic for CFTR-related disorders. Last evaluated: 2025-04-25. Review status: criteria provided, single submitter. Criteria: Natera Variant Classification Schema (03/2026). Collection method: clinical testing. Allele origin: germline. Not counted in ClinVar's aggregate classification.
Comment: The c.1301_1307delCACTTCT variant in CFTR is a frameshift variant predicted to shift the reading frame beginning at codon 434 and leads to a stop codon 6 codons downstream. This variant is expected to result in nonsense mediated decay, truncation, or a dysfunctional protein product. This variant is rare in the general population with a frequency below the threshold expected for the associated phenotype(s). This variant has been observed in one or more individuals affected with the associated recessive disease, as either homozygous or compound heterozygous with a second variant (PMID: 15858154). Given the available evidence, this variant is classified as Pathogenic.

Women's Health and Genetics/Laboratory Corporation of America, LabCorp
Classification: Pathogenic for Cystic fibrosis. Last evaluated: 2023-12-18. Review status: criteria provided, single submitter. Criteria: LabCorp Variant Classification Summary - May 2015. Collection method: clinical testing. Allele origin: germline. Not counted in ClinVar's aggregate classification.
Comment: Variant summary: CFTR c.1301_1307delCACTTCT (p.Ser434LeufsX6) results in a premature termination codon, predicted to cause a truncation of the encoded protein or absence of the protein due to nonsense mediated decay, which are commonly known mechanisms for disease. Variants downstream of this position have been classified as pathogenic by our laboratory. The variant was absent in 245594 control chromosomes. c.1301_1307delCACTTCT has been reported in the literature in individuals affected with Cystic Fibrosis (eg. Schrijver_2005). Five submitters have cited clinical-significance assessments for this variant to ClinVar after 2014. All submitters classified the variant as pathogenic. Based on the evidence outlined above, the variant was classified as pathogenic.

Labcorp Genetics (formerly Invitae), Labcorp
Classification: Pathogenic for Cystic fibrosis. Last evaluated: 2023-05-19. Review status: criteria provided, single submitter. Criteria: Invitae Variant Classification Sherloc (09022015). Collection method: clinical testing. Allele origin: germline. Not counted in ClinVar's aggregate classification.
Comment: This premature translational stop signal has been observed in individual(s) with clinical features of cystic fibrosis (PMID: 15858154, 23974870). This sequence change creates a premature translational stop signal (p.Ser434Leufs*6) in the CFTR gene. It is expected to result in an absent or disrupted protein product. Loss-of-function variants in CFTR are known to be pathogenic (PMID: 1695717, 7691345, 9725922). This variant is not present in population databases (gnomAD no frequency). This variant is also known as 1429del7 or 1433delCACTTCT. ClinVar contains an entry for this variant (Variation ID: 53225). Algorithms developed to predict the effect of sequence changes on RNA splicing suggest that this variant may disrupt the consensus splice site. For these reasons, this variant has been classified as Pathogenic.

Mayo Clinic Laboratories, Mayo Clinic
Classification: Pathogenic. Last evaluated: 2020-07-10. Review status: criteria provided, single submitter. Criteria: ACMG Guidelines, 2015. Collection method: clinical testing. Allele origin: germline. Observed: 1 variant allele. Not counted in ClinVar's aggregate classification.
Comment: PVS1, PM2, PP5

Quest Diagnostics Nichols Institute San Juan Capistrano
Classification: Pathogenic. Last evaluated: 2018-05-23. Review status: criteria provided, single submitter. Criteria: Quest Diagnostics criteria. Collection method: clinical testing. Allele origin: germline. Not counted in ClinVar's aggregate classification.

Literature cited by the submitters: PubMed 15858154 (cited by 3 submitters); PubMed 23974870 (cited by Labcorp Genetics (formerly Invitae), Labcorp); PubMed 1695717 (cited by Labcorp Genetics (formerly Invitae), Labcorp); PubMed 7691345 (cited by Labcorp Genetics (formerly Invitae), Labcorp); PubMed 9725922 (cited by Labcorp Genetics (formerly Invitae), Labcorp).

NM_000492.4(CFTR):c.1301_1307del (p.Ser434fs)

Genes: CFTR (CF transmembrane conductance regulator; plus strand), CFTR-AS1 (CFTR antisense RNA 1; minus strand). Cytogenetic location: 7q31.2.
Variant type: Deletion.
Coding change: c.1301_1307del on transcript NM_000492.4 (MANE Select); coding-DNA positions 1301 to 1307, 7 bases deleted (CACTTCT; older notation c.1301_1307delCACTTCT).
Protein change: p.Ser434fs; shifts the reading frame from serine 434.
Molecular consequence: frameshift variant.
Genome position (GRCh38, 1-based): chr7:117,548,732-117,548,738, CACTTCT deleted; deleting any 7 consecutive bases within chr7:117,548,728-117,548,738 gives the same sequence; the c. name uses the placement nearest the transcript's 3' end. VCF-style (leftmost placement, unchanged base first): chr7-117548727-TTTCTCAC-T. GRCh37 (hg19) VCF-style: chr7-117188781-TTTCTCAC-T.
Other names: c.1301_1307delCACTTCT (NM_000492.4, NM_000492.3).
Identifiers: ClinVar variation 53225 (VCV000053225.20), dbSNP rs397508186, ClinGen allele CA326448.